The following is an entry in ClinVar:

NM_021927.3(GUF1):c.1807A>G (p.Ile603Val)

Gene: GUF1 (GTP binding elongation factor GUF1; plus strand). Cytogenetic location: 4p12.
Variant type: single nucleotide variant.
Coding change: c.1807A>G on transcript NM_021927.3 (MANE Select); coding-DNA position 1807, A replaced by G.
Protein change: p.Ile603Val; replaces isoleucine 603 with valine.
Molecular consequence: missense variant. On other transcripts: intron variant (1).
Genome position (GRCh38, 1-based): chr4:44,695,706, A>G. VCF-style: chr4-44695706-A-G. GRCh37 (hg19) VCF-style: chr4-44697723-A-G.
Other names: c.835A>G, p.Ile279Val (NM_001345867.2, NM_001345869.2); c.1715+1193A>G (NM_001345868.2); short protein forms I603V, I279V.
Identifiers: ClinVar variation 2202903 (VCV002202903.4), dbSNP rs756662225, ClinGen allele CA2905759.

ClinVar aggregate classification (germline): Uncertain significance (1 of 4 stars; one submission).

Allele frequency attached by ClinVar (database versions not stated): ExAC 0.00002; gnomAD exomes 0.00002; TOPMed 0.00002.
gnomAD v4.1: 9 of 1,612,852 alleles (0.00056%); highest among the groups gnomAD compares: Admixed American, 0.012%; no homozygotes.

Submission:

Labcorp Genetics (formerly Invitae), Labcorp
Classification: Uncertain significance. Last evaluated: 2025-03-13. Review status: criteria provided, single submitter. Criteria: Invitae Variant Classification Sherloc (09022015). Collection method: clinical testing. Allele origin: germline.
Comment: This sequence change replaces isoleucine, which is neutral and non-polar, with valine, which is neutral and non-polar, at codon 603 of the GUF1 protein (p.Ile603Val). This variant is present in population databases (rs756662225, gnomAD 0.02%). This variant has not been reported in the literature in individuals affected with GUF1-related conditions. ClinVar contains an entry for this variant (Variation ID: 2202903). An algorithm developed to predict the effect of missense changes on protein structure and function outputs the following: PolyPhen-2: "Benign". The valine amino acid residue is found in multiple mammalian species, which suggests that this missense change does not adversely affect protein function. In summary, the available evidence is currently insufficient to determine the role of this variant in disease. Therefore, it has been classified as a Variant of Uncertain Significance.